The following is an entry in ClinVar:

ClinVar aggregate classification (germline): Uncertain significance (1 of 4 stars; one submission).

Conditions:
Inborn genetic diseases. Identifiers: MedGen C0950123, MeSH D030342.

gnomAD v4.1: 1 of 1,614,164 alleles (0.000062%); highest among the groups gnomAD compares: Non-Finnish European, 0.000085%; no homozygotes.

Submission:

Ambry Genetics
Classification: Uncertain significance for Inborn genetic diseases. Last evaluated: 2025-08-24. Review status: criteria provided, single submitter. Criteria: Ambry Variant Classification Scheme 2023. Collection method: clinical testing. Allele origin: germline.
Comment: The p.T418I variant (also known as c.1253C>T), located in coding exon 12 of the ASXL1 gene, results from a C to T substitution at nucleotide position 1253. The threonine at codon 418 is replaced by isoleucine, an amino acid with similar properties. This amino acid position is conserved. In addition, this alteration is predicted to be tolerated by in silico analysis. Based on the available evidence, the clinical significance of this variant remains unclear.

NM_015338.6(ASXL1):c.1253C>T (p.Thr418Ile)

Gene: ASXL1 (ASXL transcriptional regulator 1; plus strand). Cytogenetic location: 20q11.21.
Variant type: single nucleotide variant.
Coding change: c.1253C>T on transcript NM_015338.6 (MANE Select); coding-DNA position 1253, C replaced by T.
Protein change: p.Thr418Ile; replaces threonine 418 with isoleucine.
Molecular consequence: missense variant.
Genome position (GRCh38, 1-based): chr20:32,433,451, C>T. VCF-style: chr20-32433451-C-T. GRCh37 (hg19) VCF-style: chr20-31021254-C-T.
Other names: c.1070C>T, p.Thr357Ile (NM_001363734.1); short protein forms T357I, T418I.
Identifiers: ClinVar variation 4159150 (VCV004159150.1).
Genomic context (GRCh38, chr20:32,433,451, plus strand): 5'-GTCCAGCCACCCGACAGCGAGATGGGCATTTTAAGAAACGCTCTCGGCCAGATCTCCGAA[C>T]CAGAGCCAGAAGGAATCTGTACAAAAAACAGGAGTCAGAACAAGCAGGGGTTGCTAAGGA-3'
Protein context (NP_056153.2, residues 408-428): FKKRSRPDLR[Thr418Ile]RARRNLYKKQ